The following is an entry in ClinVar:

NM_006005.3(WFS1):c.140A>G (p.Gln47Arg)

Gene: WFS1 (wolframin ER transmembrane glycoprotein; plus strand). Cytogenetic location: 4p16.1.
Variant type: single nucleotide variant.
Coding change: c.140A>G on transcript NM_006005.3 (MANE Select); coding-DNA position 140, A replaced by G.
Protein change: p.Gln47Arg; replaces glutamine 47 with arginine.
Molecular consequence: missense variant.
Genome position (GRCh38, 1-based): chr4:6,277,595, A>G. VCF-style: chr4-6277595-A-G. GRCh37 (hg19) VCF-style: chr4-6279322-A-G.
Other names: c.140A>G, p.Gln47Arg (NM_001145853.1); short protein forms Q47R.
Identifiers: ClinVar variation 2150035 (VCV002150035.4), dbSNP rs1730035977, ClinGen allele CA356169714.

ClinVar aggregate classification (germline): Uncertain significance (1 of 4 stars; one submission).

Allele frequency attached by ClinVar (database versions not stated): gnomAD 0.00001.

Submission:

Labcorp Genetics (formerly Invitae), Labcorp
Classification: Uncertain significance. Last evaluated: 2022-06-13. Review status: criteria provided, single submitter. Criteria: Invitae Variant Classification Sherloc (09022015). Collection method: clinical testing. Allele origin: germline.
Comment: This sequence change replaces glutamine, which is neutral and polar, with arginine, which is basic and polar, at codon 47 of the WFS1 protein (p.Gln47Arg). This variant is not present in population databases (gnomAD no frequency). This variant has not been reported in the literature in individuals affected with WFS1-related conditions. Advanced modeling of protein sequence and biophysical properties (such as structural, functional, and spatial information, amino acid conservation, physicochemical variation, residue mobility, and thermodynamic stability) performed at Invitae indicates that this missense variant is not expected to disrupt WFS1 protein function. In summary, the available evidence is currently insufficient to determine the role of this variant in disease. Therefore, it has been classified as a Variant of Uncertain Significance.